The following is an entry in ClinVar:

ClinVar aggregate classification (germline): Uncertain significance. Review status: criteria provided, multiple submitters, no conflicts (2 of 4 stars). 4 submissions from 4 submitters: Uncertain significance (3). 1 of the submissions does not count toward it. Last evaluated 2025-11-13.

Conditions:
VPS13B-related disorder. Also called: VPS13B-related condition.
Inborn genetic diseases. Identifiers: MedGen C0950123, MeSH D030342.

gnomAD v4.1: 53 of 1,612,270 alleles (0.0033%); highest among the groups gnomAD compares: Non-Finnish European, 0.0042%; no homozygotes.

Submissions (4):

Ambry Genetics
Classification: Uncertain significance for Inborn genetic diseases. Last evaluated: 2025-11-13. Review status: criteria provided, single submitter. Criteria: Ambry Variant Classification Scheme 2023. Collection method: clinical testing. Allele origin: germline.

Women's Health and Genetics/Laboratory Corporation of America, LabCorp
Classification: Uncertain significance. Last evaluated: 2025-07-14. Review status: criteria provided, single submitter. Criteria: LabCorp Variant Classification Summary - May 2015. Collection method: clinical testing. Allele origin: germline.
Comment: Variant summary: VPS13B c.4687G>A (p.Glu1563Lys) results in a conservative amino acid change in the encoded protein sequence. Algorithms developed to predict the effect of missense changes on protein structure and function are either unavailable or do not agree on the potential impact of this missense change. The variant allele was found at a frequency of 2.8e-05 in 247588 control chromosomes. The available data on variant occurrences in the general population are insufficient to allow any conclusion about variant significance. To our knowledge, no occurrence of c.4687G>A in individuals affected with Cohen Syndrome and no experimental evidence demonstrating its impact on protein function have been reported. ClinVar contains an entry for this variant (Variation ID: 3353200). Based on the evidence outlined above, the variant was classified as uncertain significance.

Blueprint Genetics
Classification: Uncertain significance. Last evaluated: 2021-10-06. Review status: criteria provided, single submitter. Criteria: ACMG Guidelines, 2015. Collection method: clinical testing. Allele origin: germline.

PreventionGenetics, part of Exact Sciences
Classification: Uncertain significance for VPS13B-related condition. Last evaluated: 2024-09-13. Review status: no assertion criteria provided. Collection method: clinical testing. Allele origin: germline. Not counted in ClinVar's aggregate classification.
Comment: The VPS13B c.4612G>A variant is predicted to result in the amino acid substitution p.Glu1538Lys. To our knowledge, this variant has not been reported in the literature. This variant is reported in 0.0063% of alleles in individuals of European (Non-Finnish) descent in gnomAD. At this time, the clinical significance of this variant is uncertain due to the absence of conclusive functional and genetic evidence.

NM_152564.5(VPS13B):c.4612G>A (p.Glu1538Lys)

Gene: VPS13B (vacuolar protein sorting 13 homolog B; plus strand). Cytogenetic location: 8q22.2.
Variant type: single nucleotide variant.
Coding change: c.4612G>A on transcript NM_152564.5 (MANE Select); coding-DNA position 4612, G replaced by A.
Protein change: p.Glu1538Lys; replaces glutamic acid 1538 with lysine.
Molecular consequence: missense variant.
Genome position (GRCh38, 1-based): chr8:99,511,491, G>A. VCF-style: chr8-99511491-G-A. GRCh37 (hg19) VCF-style: chr8-100523719-G-A.
Other names: c.4687G>A, p.Glu1563Lys (NM_017890.5); c.4687G>A (NM_017890.3); short protein forms E1538K, E1563K.
Identifiers: ClinVar variation 3353200 (VCV003353200.4).